The following is an entry in ClinVar:

NM_001267550.2(TTN):c.103156G>C (p.Val34386Leu)

Genes: TTN (titin; minus strand), TTN-AS1 (TTN antisense RNA 1; plus strand). Cytogenetic location: 2q31.2.
Variant type: single nucleotide variant.
Coding change: c.103156G>C on transcript NM_001267550.2 (MANE Select); coding-DNA position 103156, G replaced by C.
Protein change: p.Val34386Leu; replaces valine 34386 with leucine.
Molecular consequence: missense variant.
Genome position (GRCh38, 1-based): chr2:178,533,459, C>G on the plus strand (G>C on the coding strand, the complement: TTN is on the minus strand). VCF-style: chr2-178533459-C-G. GRCh37 (hg19) VCF-style: chr2-179398186-C-G.
Other names: c.98233G>C, p.Val32745Leu (NM_001256850.1); c.75961G>C, p.Val25321Leu (NM_003319.4); c.95452G>C, p.Val31818Leu (NM_133378.4); c.76336G>C, p.Val25446Leu (NM_133432.3); c.76537G>C, p.Val25513Leu (NM_133437.4); short protein forms V34386L, V25321L, V25446L, V25513L, V31818L, V32745L.
Identifiers: ClinVar variation 2113738 (VCV002113738.4), dbSNP rs763989580, ClinGen allele CA349414968.
Genomic context (GRCh38, chr2:178,533,459, plus strand): 5'-CGAGGGACAGTGGCTGACCATCTTTCTCCCATTTTAATGTTGGTGGGGGGATGCCAGACA[C>G]TCTGATCTCAAAGCAGACACTTTGGCCTTCTTGGCATTCTGCATTTGCCAGTAACCTTTT-3'
Protein context (NP_001254479.2, residues 34376-34396): EGQSVCFEIR[Val34386Leu]SGIPPPTLKW

ClinVar aggregate classification (germline): Uncertain significance (1 of 4 stars; one submission).

Conditions:
Dilated cardiomyopathy 1G (CMD1G). Identifiers: Orphanet 154, MedGen C1858763, MONDO:0011400, OMIM 604145.
Autosomal recessive limb-girdle muscular dystrophy type 2J (LGMDR10). Also called: Limb-girdle muscular dystrophy, type 2J; MUSCULAR DYSTROPHY, LIMB-GIRDLE, AUTOSOMAL RECESSIVE 10. Identifiers: Orphanet 140922, MedGen C1837342, MONDO:0012127, OMIM 608807.

Submission:

Labcorp Genetics (formerly Invitae), Labcorp
Classification: Uncertain significance for Dilated cardiomyopathy 1G; Autosomal recessive limb-girdle muscular dystrophy type 2J. Last evaluated: 2022-03-18. Review status: criteria provided, single submitter. Criteria: Invitae Variant Classification Sherloc (09022015). Collection method: clinical testing. Allele origin: germline.
Comment: This variant is located in the M band of TTN (PMID: 25589632). Variants in this region may be relevant for neuromuscular disorders, but have not been definitively shown to cause cardiomyopathy (PMID: 23975875). This sequence change replaces valine, which is neutral and non-polar, with leucine, which is neutral and non-polar, at codon 34386 of the TTN protein (p.Val34386Leu). This variant is not present in population databases (gnomAD no frequency). This variant has not been reported in the literature in individuals affected with TTN-related conditions. Experimental studies and prediction algorithms are not available or were not evaluated, and the functional significance of this variant is currently unknown. In summary, the available evidence is currently insufficient to determine the role of this variant in disease. Therefore, it has been classified as a Variant of Uncertain Significance.

Literature cited by the submitters: PubMed 25589632; PubMed 23975875.